The following is an entry in ClinVar:

NM_021830.5(TWNK):c.492C>T (p.Leu164=)

Gene: TWNK (twinkle mtDNA helicase; plus strand). Cytogenetic location: 10q24.31.
Variant type: single nucleotide variant.
Coding change: c.492C>T on transcript NM_021830.5 (MANE Select); coding-DNA position 492, C replaced by T.
Protein change: p.Leu164=; no amino-acid change (leucine 164 retained).
Molecular consequence: synonymous variant. On other transcripts: non-coding transcript variant (4), intron variant (3).
Genome position (GRCh38, 1-based): chr10:100,988,702, C>T. VCF-style: chr10-100988702-C-T. GRCh37 (hg19) VCF-style: chr10-102748459-C-T.
Other names: c.492C>T, p.Leu164= (NM_001163812.2); c.-119-942C>T (NM_001163814.2, NM_001163813.2); c.-57-1004C>T (NM_001368275.1).
Identifiers: ClinVar variation 298498 (VCV000298498.41), dbSNP rs775463083, ClinGen allele CA5653070.

ClinVar aggregate classification (germline): Conflicting classifications of pathogenicity. Review status: criteria provided, conflicting classifications (1 of 4 stars). 7 submissions from 4 submitters: Uncertain significance (2); Benign (2); Likely benign (3). Last evaluated 2026-01-12.

Conditions:
Autosomal recessive cerebellar ataxia. Also called: Spinocerebellar Ataxia, Recessive; Spinocerebellar ataxia, autosomal recessive. Identifiers: Orphanet 1172, MedGen C5575375, MONDO:0015244.
Infantile onset spinocerebellar ataxia (MTDPS7). Also called: SPINOCEREBELLAR ATAXIA, INFANTILE, WITH SENSORY NEUROPATHY; Mitochondrial DNA depletion syndrome 7 (hepatocerebral type); OPHTHALMOPLEGIA, HYPOTONIA, ATAXIA, HYPOACUSIS, AND ATHETOSIS; OHAHA SYNDROME. Identifiers: Orphanet 1186, MedGen C1849096, MONDO:0010060, OMIM 271245.
Sensory ataxic neuropathy, dysarthria, and ophthalmoparesis (SANDO). Also called: Sensory ataxic neuropathy-dysarthria-ophthalmoparesis syndrome; Epilepsy, progressive myoclonic, type 5; SENSORY ATAXIC NEUROPATHY WITH MITOCHONDRIAL DNA DELETIONS, AUTOSOMAL RECESSIVE; Ataxia Neuropathy Spectrum (ANS). Identifiers: Orphanet 70595, MedGen C1843851, MONDO:0011835, OMIM 607459.
Progressive external ophthalmoplegia with mitochondrial DNA deletions, autosomal dominant 3. Also called: PROGRESSIVE EXTERNAL OPHTHALMOPLEGIA, AUTOSOMAL DOMINANT 3. Identifiers: MedGen C1836439, MONDO:0012241, OMIM 609286.

Allele frequency attached by ClinVar (database versions not stated): gnomAD 0.00003 and 0.00004; TOPMed 0.00013; gnomAD exomes 0.00014; ExAC 0.00017.

Submissions (7):

Labcorp Genetics (formerly Invitae), Labcorp
Classification: Likely benign. Last evaluated: 2026-01-12. Review status: criteria provided, single submitter. Criteria: Invitae Variant Classification Sherloc (09022015). Collection method: clinical testing. Allele origin: germline.

CeGaT Center for Human Genetics Tuebingen
Classification: Likely benign. Last evaluated: 2022-10-01. Review status: criteria provided, single submitter. Criteria: CeGaT Center For Human Genetics Tuebingen Variant Classification Criteria Version 2. Collection method: clinical testing. Allele origin: germline. Affected: yes. Observed: 2 variant alleles.
Comment: TWNK: BP4, BP7

Blueprint Genetics
Classification: Likely benign. Last evaluated: 2022-07-27. Review status: criteria provided, single submitter. Criteria: ACMG Guidelines, 2015. Collection method: clinical testing. Allele origin: germline.

Illumina Laboratory Services, Illumina
Classification: Uncertain significance for Autosomal recessive cerebellar ataxia. Last evaluated: 2018-01-13. Review status: criteria provided, single submitter. Criteria: ICSL Variant Classification Criteria 13 December 2019. Collection method: clinical testing. Allele origin: germline.

Illumina Laboratory Services, Illumina
Classification: Benign for Progressive external ophthalmoplegia with mitochondrial DNA deletions, autosomal dominant 3. Last evaluated: 2018-01-13. Review status: criteria provided, single submitter. Criteria: ICSL Variant Classification Criteria 13 December 2019. Collection method: clinical testing. Allele origin: germline.
Comment: This variant was observed in the ICSL laboratory as part of a predisposition screen in an ostensibly healthy population. It had not been previously curated by ICSL or reported in the Human Gene Mutation Database (HGMD: prior to June 1st, 2018), and was therefore a candidate for classification through an automated scoring system. Utilizing variant allele frequency, disease prevalence and penetrance estimates, and inheritance mode, an automated score was calculated to assess if this variant is too frequent to cause the disease. Based on the score and internal cut-off values, a variant classified as benign is not then subjected to further curation. The score for this variant resulted in a classification of benign for this disease.

Illumina Laboratory Services, Illumina
Classification: Uncertain significance for Infantile onset spinocerebellar ataxia. Last evaluated: 2018-01-13. Review status: criteria provided, single submitter. Criteria: ICSL Variant Classification Criteria 13 December 2019. Collection method: clinical testing. Allele origin: germline.

Illumina Laboratory Services, Illumina
Classification: Benign for Sensory ataxic neuropathy-dysarthria-ophthalmoparesis syndrome. Last evaluated: 2018-01-13. Review status: criteria provided, single submitter. Criteria: ICSL Variant Classification Criteria 13 December 2019. Collection method: clinical testing. Allele origin: germline.
Comment: the same text as in the submission from Illumina Laboratory Services, Illumina above.